The following is an entry in ClinVar:

NM_000160.5(GCGR):c.346C>T (p.Arg116Cys)

Gene: GCGR (glucagon receptor; plus strand). Cytogenetic location: 17q25.3.
Variant type: single nucleotide variant.
Coding change: c.346C>T on transcript NM_000160.5 (MANE Select); coding-DNA position 346, C replaced by T.
Protein change: p.Arg116Cys; replaces arginine 116 with cysteine.
Molecular consequence: missense variant.
Genome position (GRCh38, 1-based): chr17:81,811,084, C>T. VCF-style: chr17-81811084-C-T. GRCh37 (hg19) VCF-style: chr17-79768960-C-T.
Other names: short protein forms R116C.
Identifiers: ClinVar variation 3665821 (VCV003665821.2).
Genomic context (GRCh38, chr17:81,811,084, plus strand): 5'-GTGTTCAAGAGATGCGGGCCCGACGGTCAGTGGGTGCGTGGACCCCGGGGGCAGCCTTGG[C>T]GTGATGCCTCCCAGTGCCAGATGGATGGCGAGGAGATTGAGGTCCAGGTCAGTGGGCGGC-3'
Protein context (NP_000151.1, residues 106-126): WVRGPRGQPW[Arg116Cys]DASQCQMDGE

ClinVar aggregate classification (germline): Uncertain significance (1 of 4 stars; one submission).

gnomAD v4.1: 12 of 1,536,038 alleles (0.00078%); highest among the groups gnomAD compares: Admixed American, 0.0039%; no homozygotes.

Submission:

Labcorp Genetics (formerly Invitae), Labcorp
Classification: Uncertain significance. Last evaluated: 2024-04-22. Review status: criteria provided, single submitter. Criteria: Invitae Variant Classification Sherloc (09022015). Collection method: clinical testing. Allele origin: germline.
Comment: This sequence change replaces arginine, which is basic and polar, with cysteine, which is neutral and slightly polar, at codon 116 of the GCGR protein (p.Arg116Cys). This variant is not present in population databases (gnomAD no frequency). This variant has not been reported in the literature in individuals affected with GCGR-related conditions. An algorithm developed to predict the effect of missense changes on protein structure and function (PolyPhen-2) suggests that this variant is likely to be disruptive. In summary, the available evidence is currently insufficient to determine the role of this variant in disease. Therefore, it has been classified as a Variant of Uncertain Significance.